The following is an entry in ClinVar:

ClinVar aggregate classification (germline): Uncertain significance (1 of 4 stars; one submission).

Submission:

Women's Health and Genetics/Laboratory Corporation of America, LabCorp
Classification: Uncertain significance. Last evaluated: 2026-05-29. Review status: criteria provided, single submitter. Criteria: LabCorp Variant Classification Summary - May 2015. Collection method: clinical testing. Allele origin: germline.
Comment: Variant summary: The variant involves the duplication of exon 1 in the SPRED1 gene. A presumed nomenclature of c.(?_-351)_(32+1_33-1)dup has been designated for the purposes of this classification. The exact breakpoint at the 5' end of this variant is unknown, therefore this duplication may extend upstream of the annotated region of this gene. It is predicted to duplicate a segment including the initiation codon, therefore its impact on the encoded protein is unknown. The variant was absent in 21694 control chromosomes. The available data on variant occurrences in the general population are insufficient to allow any conclusion about variant significance. To our knowledge, no occurrence of c.(?_-351)_(32+1_33-1)dup in individuals affected with SPRED1-related conditions and no experimental evidence demonstrating its impact on protein function have been reported. No submitters have cited clinical-significance assessments for this variant to ClinVar. Based on the evidence outlined above, the variant was classified as uncertain significance.

NC_000015.9:g.(?_38545036)_(38545419_38591573)dup

Gene: SPRED1 (sprouty related EVH1 domain containing 1; plus strand). Cytogenetic location: 15q14.
Variant type: Duplication.
Identifiers: ClinVar variation 4853710 (VCV004853710.1).